The following is an entry in ClinVar:

ClinVar aggregate classification (germline): Uncertain significance. Review status: criteria provided, multiple submitters, no conflicts (2 of 4 stars). 2 submissions from 2 submitters: Uncertain significance (2). Last evaluated 2025-11-11.

Conditions:
NCOA1-related disorder. Also called: NCOA1-related condition.

gnomAD v4.1: 5 of 1,614,084 alleles (0.00031%); highest among the groups gnomAD compares: Non-Finnish European, 0.00025%; no homozygotes.

Submissions (2):

Ambry Genetics
Classification: Uncertain significance. Last evaluated: 2025-11-11. Review status: criteria provided, single submitter. Criteria: Ambry Variant Classification Scheme 2023. Collection method: clinical testing. Allele origin: germline.

PreventionGenetics, part of Exact Sciences
Classification: Uncertain significance for NCOA1-related condition. Last evaluated: 2025-05-23. Review status: criteria provided, single submitter. Criteria: ACMG Guidelines, 2015. Collection method: clinical testing. Allele origin: germline.
Comment: The NCOA1 c.3557C>T variant is predicted to result in the amino acid substitution p.Pro1186Leu. To our knowledge, this variant has not been reported in the literature. This variant is reported in 0.00088% of alleles in individuals of European (Non-Finnish) descent in gnomAD. At this time, the clinical significance of this variant is uncertain due to the absence of conclusive functional and genetic evidence.

NM_003743.5(NCOA1):c.3557C>T (p.Pro1186Leu)

Gene: NCOA1 (nuclear receptor coactivator 1; plus strand). Cytogenetic location: 2p23.3.
Variant type: single nucleotide variant.
Coding change: c.3557C>T on transcript NM_003743.5 (MANE Select); coding-DNA position 3557, C replaced by T.
Protein change: p.Pro1186Leu; replaces proline 1186 with leucine.
Molecular consequence: missense variant.
Genome position (GRCh38, 1-based): chr2:24,742,037, C>T. VCF-style: chr2-24742037-C-T. GRCh37 (hg19) VCF-style: chr2-24964906-C-T.
Other names: c.3557C>T, p.Pro1186Leu (NM_001362950.1, NM_001362952.1, NM_001362954.1 and 3 more transcripts); short protein forms P1186L.
Identifiers: ClinVar variation 3354869 (VCV003354869.3).